The following is an entry in ClinVar:

NM_001378120.1(MBD5):c.1952A>C (p.Gln651Pro)

Gene: MBD5 (methyl-CpG binding domain protein 5; plus strand). Cytogenetic location: 2q23.1.
Variant type: single nucleotide variant.
Coding change: c.1952A>C on transcript NM_001378120.1 (MANE Select); coding-DNA position 1952, A replaced by C.
Protein change: p.Gln651Pro; replaces glutamine 651 with proline.
Molecular consequence: missense variant.
Genome position (GRCh38, 1-based): chr2:148,469,895, A>C. VCF-style: chr2-148469895-A-C. GRCh37 (hg19) VCF-style: chr2-149227464-A-C.
Other names: c.1952A>C, p.Gln651Pro (NM_018328.5); short protein forms Q651P.
Identifiers: ClinVar variation 3362168 (VCV003362168.2).
Genomic context (GRCh38, chr2:148,469,895, plus strand): 5'-TTCTCCCAACAGGTGAAGGGCAAAGTGGTCGAGCAGCACTAAGAGATAAGCTGATGTCTC[A>C]GCAAAAAGACGCATTGCGGAAAAGAAAACAACCACCTACGACAGTGTTGAGTTTGCTCAG-3'
Protein context (NP_001365049.1, residues 641-661): RAALRDKLMS[Gln651Pro]QKDALRKRKQ

ClinVar aggregate classification (germline): Uncertain significance (1 of 4 stars; one submission).

Submission:

GeneDx
Classification: Uncertain significance. Last evaluated: 2026-03-24. Review status: criteria provided, single submitter. Criteria: GeneDx Variant Classification Process June 2021. Collection method: clinical testing. Allele origin: germline.
Comment: Not observed at significant frequency in large population cohorts (gnomAD); In silico analysis suggests that this missense variant does not alter protein structure/function; Has not been previously published as pathogenic or benign to our knowledge